The following is an entry in ClinVar:

NM_001165963.4(SCN1A):c.3129G>T (p.Lys1043Asn)

Genes: SCN1A (sodium voltage-gated channel alpha subunit 1; minus strand), LOC102724058 (uncharacterized LOC102724058; plus strand). Cytogenetic location: 2q24.3.
Variant type: single nucleotide variant.
Coding change: c.3129G>T on transcript NM_001165963.4 (MANE Select); coding-DNA position 3129, G replaced by T.
Protein change: p.Lys1043Asn; replaces lysine 1043 with asparagine.
Molecular consequence: missense variant. On other transcripts: non-coding transcript variant (2).
Genome position (GRCh38, 1-based): chr2:166,036,348, C>A on the plus strand (G>T on the coding strand, the complement: SCN1A is on the minus strand). VCF-style: chr2-166036348-C-A. GRCh37 (hg19) VCF-style: chr2-166892858-C-A.
Other names: c.3045G>T, p.Lys1015Asn (NM_001165964.3, NM_001353957.2, NM_001353958.2); c.3129G>T, p.Lys1043Asn (NM_001202435.3, NM_001353948.2); c.3096G>T, p.Lys1032Asn (NM_001353949.2, NM_001353950.2, NM_001353951.2 and 2 more transcripts); c.3093G>T, p.Lys1031Asn (NM_001353954.2, NM_001353955.2); c.3042G>T, p.Lys1014Asn (NM_001353960.2); c.687G>T, p.Lys229Asn (NM_001353961.2); short protein forms K1043N, K1014N, K1015N, K1032N, K1031N, K229N.
Identifiers: ClinVar variation 3636940 (VCV003636940.2).

ClinVar aggregate classification (germline): Uncertain significance (1 of 4 stars; one submission).

Conditions:
Early-infantile DEE. Also called: Early infantile epileptic encephalopathy; Ohtahara syndrome; Early infantile epileptic encephalopathy with suppression bursts. Identifiers: Orphanet 1934, MedGen C0393706, MONDO:0800491.

gnomAD v4.1: 8 of 1,608,918 alleles (0.0005%); highest among the groups gnomAD compares: Admixed American, 0.0034%; no homozygotes.

Submission:

Labcorp Genetics (formerly Invitae), Labcorp
Classification: Uncertain significance for Early-infantile DEE. Last evaluated: 2026-01-04. Review status: criteria provided, single submitter. Criteria: Invitae Variant Classification Sherloc (09022015). Collection method: clinical testing. Allele origin: germline.
Comment: This sequence change replaces lysine, which is basic and polar, with asparagine, which is neutral and polar, at codon 1043 of the SCN1A protein (p.Lys1043Asn). This variant is present in population databases (rs761408574, gnomAD 0.01%). This variant has not been reported in the literature in individuals affected with SCN1A-related conditions. ClinVar contains an entry for this variant (Variation ID: 3636940). Invitae Evidence Modeling of protein sequence and biophysical properties (such as structural, functional, and spatial information, amino acid conservation, physicochemical variation, residue mobility, and thermodynamic stability) indicates that this missense variant is not expected to disrupt SCN1A protein function with a negative predictive value of 95%. In summary, the available evidence is currently insufficient to determine the role of this variant in disease. Therefore, it has been classified as a Variant of Uncertain Significance.